The following is an entry in ClinVar:

ClinVar aggregate classification (germline): Pathogenic (1 of 4 stars; one submission).

Conditions:
Short-rib thoracic dysplasia 6 with or without polydactyly (SRTD6). Also called: Majewski Syndrome; SHORT-RIB THORACIC DYSPLASIA 6 WITH POLYDACTYLY; SHORT-RIB THORACIC DYSPLASIA 6 WITHOUT POLYDACTYLY; POLYDACTYLY WITH NEONATAL CHONDRODYSTROPHY, TYPE II; SHORT RIB-POLYDACTYLY SYNDROME, TYPE IIA. Identifiers: MedGen C0024507, MONDO:0009894, OMIM 263520.

Submission:

Labcorp Genetics (formerly Invitae), Labcorp
Classification: Pathogenic for Short-rib thoracic dysplasia 6 with or without polydactyly. Last evaluated: 2023-12-06. Review status: criteria provided, single submitter. Criteria: Invitae Variant Classification Sherloc (09022015). Collection method: clinical testing. Allele origin: germline.
Comment: This sequence change creates a premature translational stop signal (p.Glu621*) in the NEK1 gene. It is expected to result in an absent or disrupted protein product. Loss-of-function variants in NEK1 are known to be pathogenic (PMID: 22499340, 29068549). This variant is not present in population databases (gnomAD no frequency). This variant has not been reported in the literature in individuals affected with NEK1-related conditions. Algorithms developed to predict the effect of sequence changes on RNA splicing suggest that this variant may disrupt the consensus splice site. For these reasons, this variant has been classified as Pathogenic.

Literature cited by the submitters: PubMed 22499340; PubMed 29068549.

NM_001199397.3(NEK1):c.1945_1951del (p.Lys648_Glu649insTer)

Gene: NEK1 (NIMA related kinase 1; minus strand). Cytogenetic location: 4q33.
Variant type: Deletion.
Coding change: c.1945_1951del on transcript NM_001199397.3 (MANE Select); coding-DNA positions 1945 to 1951, 7 bases deleted (GAACAAC; older notation c.1945_1951delGAACAAC).
Protein change: p.Lys648_Glu649insTer.
Molecular consequence: nonsense. On other transcripts: non-coding transcript variant (1), intron variant (1).
Genome position (GRCh38, 1-based): chr4:169,507,093-169,507,099, GTTGTTC deleted on the plus strand (GAACAAC on the coding strand, the reverse complement: NEK1 is on the minus strand). VCF-style (leftmost placement, unchanged base first): chr4-169507092-AGTTGTTC-A. GRCh37 (hg19) VCF-style: chr4-170428243-AGTTGTTC-A.
Other names: c.1813_1819del, p.Lys604_Glu605insTer (NM_001199398.3); c.1654_1660del, p.Lys551_Glu552insTer (NM_001199399.3); c.1729_1735del, p.Lys576_Glu577insTer (NM_001199400.3); c.1945_1951del, p.Lys648_Glu649insTer (NM_001374418.1); c.1861_1867del, p.Lys620_Glu621insTer (NM_001374419.1, NM_012224.4); c.1810_1816del, p.Lys603_Glu604insTer (NM_001374420.1); c.1701+616_1701+622del (NM_001374421.1).
Identifiers: ClinVar variation 2793744 (VCV002793744.3), dbSNP rs2546546013, ClinGen allele CA2739270348.
Genomic context (GRCh38, chr4:169,507,092, plus strand): 5'-CTTACATGCTCTTCCCACACTTTTTTTTCTCTCTCATAAGCCTCCTTTCTCTTTCGTTCT[AGTTGTTC>A]TTTTAGTACAGCAGCACGTGCATTTGCATGGGCCTAAAAATAAAAACAATTAACAAAATG-3'